The following is an entry in ClinVar:

NM_001111125.3(IQSEC2):c.4391C>G (p.Ser1464Cys)

Gene: IQSEC2 (IQ motif and Sec7 domain ArfGEF 2; minus strand). Cytogenetic location: Xp11.22.
Variant type: single nucleotide variant.
Coding change: c.4391C>G on transcript NM_001111125.3 (MANE Select); coding-DNA position 4391, C replaced by G.
Protein change: p.Ser1464Cys; replaces serine 1464 with cysteine.
Molecular consequence: missense variant. On other transcripts: 3 prime UTR variant (1).
Genome position (GRCh38, 1-based): chrX:53,234,295, G>C on the plus strand (C>G on the coding strand, the complement: IQSEC2 is on the minus strand). VCF-style: chrX-53234295-G-C. GRCh37 (hg19) VCF-style: chrX-53263477-G-C.
Other names: c.*876C>G (NM_015075.2); short protein forms S1464C.
Identifiers: ClinVar variation 538602 (VCV000538602.10), dbSNP rs1556858946, ClinGen allele CA413138444.

ClinVar aggregate classification (germline): Uncertain significance. Review status: criteria provided, multiple submitters, no conflicts (2 of 4 stars). 2 submissions from 2 submitters: Uncertain significance (2). Last evaluated 2023-08-07.

Conditions:
Intellectual developmental disorder, X-linked 1. Also called: MENTAL RETARDATION, X-LINKED 18; MENTAL RETARDATION, X-LINKED 78; Intellectual disability, X-linked 1; Atkin Flaitz Patil Smith syndrome. Identifiers: Orphanet 777, MedGen C2931498, MONDO:0010656, OMIM 309530.

Allele frequency attached by ClinVar (database versions not stated): gnomAD exomes below 0.00001.
gnomAD v4.1: 1 of 941,806 alleles (0.00011%); highest among the groups gnomAD compares: Non-Finnish European, 0.00014%; no homozygotes.

Submissions (2):

Blueprint Genetics
Classification: Uncertain significance. Last evaluated: 2023-08-07. Review status: criteria provided, single submitter. Criteria: ACMG Guidelines, 2015. Collection method: clinical testing. Allele origin: germline.

Labcorp Genetics (formerly Invitae), Labcorp
Classification: Uncertain significance for Intellectual developmental disorder, X-linked 1. Last evaluated: 2022-05-16. Review status: criteria provided, single submitter. Criteria: Invitae Variant Classification Sherloc (09022015). Collection method: clinical testing. Allele origin: germline.
Comment: In summary, the available evidence is currently insufficient to determine the role of this variant in disease. Therefore, it has been classified as a Variant of Uncertain Significance. Advanced modeling of protein sequence and biophysical properties (such as structural, functional, and spatial information, amino acid conservation, physicochemical variation, residue mobility, and thermodynamic stability) performed at Invitae indicates that this missense variant is not expected to disrupt IQSEC2 protein function. ClinVar contains an entry for this variant (Variation ID: 538602). This variant has not been reported in the literature in individuals affected with IQSEC2-related conditions. This variant is not present in population databases (gnomAD no frequency). This sequence change replaces serine, which is neutral and polar, with cysteine, which is neutral and slightly polar, at codon 1464 of the IQSEC2 protein (p.Ser1464Cys).